The following is an entry in ClinVar:

ClinVar aggregate classification (germline): Uncertain significance (1 of 4 stars; one submission).

Submission:

Labcorp Genetics (formerly Invitae), Labcorp
Classification: Uncertain significance. Last evaluated: 2025-06-23. Review status: criteria provided, single submitter. Criteria: Invitae Variant Classification Sherloc (09022015). Collection method: clinical testing. Allele origin: germline.
Comment: This sequence change replaces proline, which is neutral and non-polar, with serine, which is neutral and polar, at codon 321 of the TAOK2 protein (p.Pro321Ser). This variant is not present in population databases (gnomAD no frequency). This variant has not been reported in the literature in individuals affected with TAOK2-related conditions. ClinVar contains an entry for this variant (Variation ID: 3692262). An algorithm developed to predict the effect of missense changes on protein structure and function (PolyPhen-2) suggests that this variant is likely to be tolerated. In summary, the available evidence is currently insufficient to determine the role of this variant in disease. Therefore, it has been classified as a Variant of Uncertain Significance.

NM_016151.4(TAOK2):c.961C>T (p.Pro321Ser)

Gene: TAOK2 (TAO kinase 2; plus strand). Cytogenetic location: 16p11.2.
Variant type: single nucleotide variant.
Coding change: c.961C>T on transcript NM_016151.4 (MANE Select); coding-DNA position 961, C replaced by T.
Protein change: p.Pro321Ser; replaces proline 321 with serine.
Molecular consequence: missense variant.
Genome position (GRCh38, 1-based): chr16:29,982,863, C>T. VCF-style: chr16-29982863-C-T. GRCh37 (hg19) VCF-style: chr16-29994184-C-T.
Other names: c.961C>T, p.Pro321Ser (NM_001252043.2, NM_004783.4); short protein forms P321S.
Identifiers: ClinVar variation 3692262 (VCV003692262.2).